The following is an entry in ClinVar:

NM_001848.3(COL6A1):c.775C>A (p.Pro259Thr)

Gene: COL6A1 (collagen type VI alpha 1 chain; plus strand). Cytogenetic location: 21q22.3.
Variant type: single nucleotide variant.
Coding change: c.775C>A on transcript NM_001848.3 (MANE Select); coding-DNA position 775, C replaced by A.
Protein change: p.Pro259Thr; replaces proline 259 with threonine.
Molecular consequence: missense variant.
Genome position (GRCh38, 1-based): chr21:45,987,625, C>A. VCF-style: chr21-45987625-C-A. GRCh37 (hg19) VCF-style: chr21-47407539-C-A.
Other names: short protein forms P259T.
Identifiers: ClinVar variation 1304708 (VCV001304708.6), dbSNP rs2077747487, ClinGen allele CA410520749.

ClinVar aggregate classification (germline): Uncertain significance. Review status: criteria provided, multiple submitters, no conflicts (2 of 4 stars). 2 submissions from 2 submitters: Uncertain significance (2). Last evaluated 2023-10-30.

Conditions:
Bethlem myopathy 1A. Also called: Bethlem myopathy 1; MYOPATHY, BENIGN CONGENITAL, WITH CONTRACTURES; Bethlem Muscular Dystrophy. Identifiers: Orphanet 610, MedGen CN029274, MONDO:0024530, OMIM 158810.

Submissions (2):

Labcorp Genetics (formerly Invitae), Labcorp
Classification: Uncertain significance for Bethlem myopathy 1A. Last evaluated: 2023-10-30. Review status: criteria provided, single submitter. Criteria: Invitae Variant Classification Sherloc (09022015). Collection method: clinical testing. Allele origin: germline.
Comment: This sequence change replaces proline, which is neutral and non-polar, with threonine, which is neutral and polar, at codon 259 of the COL6A1 protein (p.Pro259Thr). This variant is not present in population databases (gnomAD no frequency). This variant has not been reported in the literature in individuals affected with COL6A1-related conditions. ClinVar contains an entry for this variant (Variation ID: 1304708). Advanced modeling of protein sequence and biophysical properties (such as structural, functional, and spatial information, amino acid conservation, physicochemical variation, residue mobility, and thermodynamic stability) has been performed at Invitae for this missense variant, however the output from this modeling did not meet the statistical confidence thresholds required to predict the impact of this variant on COL6A1 protein function. In summary, the available evidence is currently insufficient to determine the role of this variant in disease. Therefore, it has been classified as a Variant of Uncertain Significance.

GeneDx
Classification: Uncertain significance. Last evaluated: 2019-11-25. Review status: criteria provided, single submitter. Criteria: GeneDx Variant Classification Process June 2021. Collection method: clinical testing. Allele origin: germline. Affected: yes.
Comment: Has not been previously published as pathogenic or benign to our knowledge; Not observed in large population cohorts (Lek et al., 2016); In silico analysis, which includes protein predictors and evolutionary conservation, supports a deleterious effect